The following is an entry in ClinVar:

ClinVar aggregate classification (germline): Uncertain significance. Review status: criteria provided, multiple submitters, no conflicts (2 of 4 stars). 3 submissions from 3 submitters: Uncertain significance (3). Last evaluated 2025-05-04.

Conditions:
Inborn genetic diseases. Identifiers: MedGen C0950123, MeSH D030342.

Allele frequency attached by ClinVar (database versions not stated): ExAC 0.00002; gnomAD 0.00003; TOPMed 0.00003.
gnomAD v4.1: 68 of 1,600,952 alleles (0.0042%); highest among the groups gnomAD compares: Non-Finnish European, 0.0054%; no homozygotes.

Submissions (3):

Ambry Genetics
Classification: Uncertain significance for Inborn genetic diseases. Last evaluated: 2025-05-04. Review status: criteria provided, single submitter. Criteria: Ambry Variant Classification Scheme 2023. Collection method: clinical testing. Allele origin: germline.

GeneDx
Classification: Uncertain significance. Last evaluated: 2025-04-28. Review status: criteria provided, single submitter. Criteria: GeneDx Variant Classification Process June 2021. Collection method: clinical testing. Allele origin: germline. Affected: yes.
Comment: In silico analysis indicates that this missense variant does not alter protein structure/function; Has not been previously published as pathogenic or benign to our knowledge

Labcorp Genetics (formerly Invitae), Labcorp
Classification: Uncertain significance. Last evaluated: 2025-03-11. Review status: criteria provided, single submitter. Criteria: Invitae Variant Classification Sherloc (09022015). Collection method: clinical testing. Allele origin: germline.
Comment: This sequence change replaces glycine, which is neutral and non-polar, with serine, which is neutral and polar, at codon 3153 of the DCHS1 protein (p.Gly3153Ser). This variant is present in population databases (rs752799248, gnomAD 0.007%). This variant has not been reported in the literature in individuals affected with DCHS1-related conditions. ClinVar contains an entry for this variant (Variation ID: 1944258). Invitae Evidence Modeling of protein sequence and biophysical properties (such as structural, functional, and spatial information, amino acid conservation, physicochemical variation, residue mobility, and thermodynamic stability) indicates that this missense variant is not expected to disrupt DCHS1 protein function with a negative predictive value of 80%. In summary, the available evidence is currently insufficient to determine the role of this variant in disease. Therefore, it has been classified as a Variant of Uncertain Significance.

NM_003737.4(DCHS1):c.9457G>A (p.Gly3153Ser)

Gene: DCHS1 (dachsous cadherin-related 1; minus strand). Cytogenetic location: 11p15.4.
Variant type: single nucleotide variant.
Coding change: c.9457G>A on transcript NM_003737.4 (MANE Select); coding-DNA position 9457, G replaced by A.
Protein change: p.Gly3153Ser; replaces glycine 3153 with serine.
Molecular consequence: missense variant.
Genome position (GRCh38, 1-based): chr11:6,622,219, C>T on the plus strand (G>A on the coding strand, the complement: DCHS1 is on the minus strand). VCF-style: chr11-6622219-C-T. GRCh37 (hg19) VCF-style: chr11-6643450-C-T.
Other names: c.9457G>A (NM_003737.2, NM_003737.3); short protein forms G3153S.
Identifiers: ClinVar variation 1944258 (VCV001944258.7), dbSNP rs752799248, ClinGen allele CA5859246.